The following is an entry in ClinVar:

ClinVar aggregate classification (germline): Uncertain significance. Review status: criteria provided, multiple submitters, no conflicts (2 of 4 stars). 3 submissions from 3 submitters: Uncertain significance (3). Last evaluated 2025-10-02.

Conditions:
JAG1-related disorder. Also called: JAG1-related disorders; JAG1-related condition.

Allele frequency attached by ClinVar (database versions not stated): ExAC 0.00001; gnomAD 0.00001; gnomAD exomes 0.00001; 1000 Genomes Project 30x 0.00016; 1000 Genomes Project 0.00020.

Submissions (3):

PreventionGenetics, part of Exact Sciences
Classification: Uncertain significance for JAG1-related condition. Last evaluated: 2025-10-02. Review status: criteria provided, single submitter. Criteria: ACMG Guidelines, 2015. Collection method: clinical testing. Allele origin: germline.
Comment: The JAG1 c.1384G>A variant is predicted to result in the amino acid substitution p.Ala462Thr. To our knowledge, this variant has not been reported in the literature. This variant is reported in 0.0058% of alleles in individuals of Latino descent in gnomAD. At this time, the clinical significance of this variant is uncertain due to the absence of conclusive functional and genetic evidence.

Revvity Omics, Revvity
Classification: Uncertain significance. Last evaluated: 2021-02-02. Review status: criteria provided, single submitter. Criteria: ACMG Guidelines, 2015. Collection method: clinical testing. Allele origin: germline.

Eurofins Ntd Llc (ga)
Classification: Uncertain significance. Last evaluated: 2016-12-08. Review status: criteria provided, single submitter. Criteria: EGL Classification Definitions 2015. Collection method: clinical testing. Allele origin: germline. Observed: 1 variant allele, 1 heterozygote.

NM_000214.3(JAG1):c.1384G>A (p.Ala462Thr)

Gene: JAG1 (jagged canonical Notch ligand 1; minus strand). Cytogenetic location: 20p12.2.
Variant type: single nucleotide variant.
Coding change: c.1384G>A on transcript NM_000214.3 (MANE Select); coding-DNA position 1384, G replaced by A.
Protein change: p.Ala462Thr; replaces alanine 462 with threonine.
Molecular consequence: missense variant.
Genome position (GRCh38, 1-based): chr20:10,649,072, C>T on the plus strand (G>A on the coding strand, the complement: JAG1 is on the minus strand). VCF-style: chr20-10649072-C-T. GRCh37 (hg19) VCF-style: chr20-10629720-C-T.
Other names: c.1384G>A, p.Ala462Thr (LRG_1191t1); c.1384G>A (NM_000214.2); short protein forms A462T.
Identifiers: ClinVar variation 498422 (VCV000498422.9), dbSNP rs201667840, ClinGen allele CA9764887.